The following is an entry in ClinVar:

NM_007194.4(CHEK2):c.1143G>C (p.Met381Ile)

Gene: CHEK2 (checkpoint kinase 2; minus strand). Cytogenetic location: 22q12.1.
Variant type: single nucleotide variant.
Coding change: c.1143G>C on transcript NM_007194.4 (MANE Select); coding-DNA position 1143, G replaced by C.
Protein change: p.Met381Ile; replaces methionine 381 with isoleucine.
Molecular consequence: missense variant.
Genome position (GRCh38, 1-based): chr22:28,695,826, C>G on the plus strand (G>C on the coding strand, the complement: CHEK2 is on the minus strand). VCF-style: chr22-28695826-C-G. GRCh37 (hg19) VCF-style: chr22-29091814-C-G.
Other names: c.1272G>C, p.Met424Ile (NM_001005735.3); c.480G>C, p.Met160Ile (NM_001257387.3); c.942G>C, p.Met314Ile (NM_001349956.3); c.1056G>C, p.Met352Ile (NM_145862.3); short protein forms M314I, M352I, M424I, M160I, M381I.
Identifiers: ClinVar variation 1731922 (VCV001731922.2), dbSNP rs1601723143, ClinGen allele CA411096937.

ClinVar aggregate classification (germline): Uncertain significance (1 of 4 stars; one submission).

Conditions:
Hereditary cancer-predisposing syndrome. Also called: Neoplastic Syndromes, Hereditary; Tumor predisposition; Hereditary Cancer Syndrome; Hereditary neoplastic syndrome. Identifiers: Orphanet 140162, MedGen C0027672, MeSH D009386, MONDO:0015356.

Submission:

Ambry Genetics
Classification: Uncertain significance for Hereditary cancer-predisposing syndrome. Last evaluated: 2022-10-25. Review status: criteria provided, single submitter. Criteria: Ambry Variant Classification Scheme 2023. Collection method: clinical testing. Allele origin: germline.
Comment: The p.M381I variant (also known as c.1143G>C), located in coding exon 10 of the CHEK2 gene, results from a G to C substitution at nucleotide position 1143. The methionine at codon 381 is replaced by isoleucine, an amino acid with highly similar properties. This amino acid position is highly conserved in available vertebrate species. In addition, the in silico prediction for this alteration is inconclusive. Since supporting evidence is limited at this time, the clinical significance of this alteration remains unclear.